The following is an entry in ClinVar:

ClinVar aggregate classification (germline): Conflicting classifications of pathogenicity. Review status: criteria provided, conflicting classifications (1 of 4 stars). 2 submissions from 2 submitters: Uncertain significance (1); Likely benign (1). Last evaluated 2025-11-22.

Conditions:
EGFR-related lung cancer (EGFR). Identifiers: MedGen CN130014.
Hereditary cancer-predisposing syndrome. Also called: Hereditary neoplastic syndrome; Neoplastic Syndromes, Hereditary; Hereditary Cancer Syndrome; Tumor predisposition. Identifiers: Orphanet 140162, MedGen C0027672, MeSH D009386, MONDO:0015356.

Allele frequency attached by ClinVar (database versions not stated): gnomAD exomes 0.00001.
gnomAD v4.1: 12 of 1,518,732 alleles (0.00079%); highest among the groups gnomAD compares: South Asian, 0.0012%; no homozygotes.

Submissions (2):

Labcorp Genetics (formerly Invitae), Labcorp
Classification: Uncertain significance for EGFR-related lung cancer. Last evaluated: 2025-11-22. Review status: criteria provided, single submitter. Criteria: Invitae Variant Classification Sherloc (09022015). Collection method: clinical testing. Allele origin: germline.
Comment: This sequence change replaces proline, which is neutral and non-polar, with arginine, which is basic and polar, at codon 20 of the EGFR protein (p.Pro20Arg). The frequency data for this variant in the population databases is considered unreliable, as metrics indicate poor data quality at this position in the gnomAD database. This variant has not been reported in the literature in individuals affected with EGFR-related conditions. ClinVar contains an entry for this variant (Variation ID: 1488509). An algorithm developed to predict the effect of missense changes on protein structure and function outputs the following: PolyPhen-2: "Benign". The arginine amino acid residue is found in multiple mammalian species, which suggests that this missense change does not adversely affect protein function. In summary, the available evidence is currently insufficient to determine the role of this variant in disease. Therefore, it has been classified as a Variant of Uncertain Significance.

Ambry Genetics
Classification: Likely benign for Hereditary cancer-predisposing syndrome. Last evaluated: 2025-03-03. Review status: criteria provided, single submitter. Criteria: Ambry Variant Classification Scheme 2023. Collection method: clinical testing. Allele origin: germline.

NM_005228.5(EGFR):c.59C>G (p.Pro20Arg)

Gene: EGFR (epidermal growth factor receptor; plus strand). Cytogenetic location: 7p11.2.
Variant type: single nucleotide variant.
Coding change: c.59C>G on transcript NM_005228.5 (MANE Select); coding-DNA position 59, C replaced by G.
Protein change: p.Pro20Arg; replaces proline 20 with arginine.
Molecular consequence: missense variant.
Genome position (GRCh38, 1-based): chr7:55,019,336, C>G. VCF-style: chr7-55019336-C-G. GRCh37 (hg19) VCF-style: chr7-55087029-C-G.
Other names: c.59C>G, p.Pro20Arg (NM_001346897.2, NM_001346898.2, NM_001346899.2 and 4 more transcripts); c.59C>G (NM_005228.3); short protein forms P20R.
Identifiers: ClinVar variation 1488509 (VCV001488509.7), dbSNP rs1028735720, ClinGen allele CA367611265.